The following is an entry in ClinVar:

ClinVar aggregate classification (germline): Uncertain significance (1 of 4 stars; one submission).

Submission:

Labcorp Genetics (formerly Invitae), Labcorp
Classification: Uncertain significance. Last evaluated: 2021-04-21. Review status: criteria provided, single submitter. Criteria: Invitae Variant Classification Sherloc (09022015). Collection method: clinical testing. Allele origin: germline.
Comment: In summary, the available evidence is currently insufficient to determine the role of this variant in disease. Therefore, it has been classified as a Variant of Uncertain Significance. Algorithms developed to predict the effect of missense changes on protein structure and function are either unavailable or do not agree on the potential impact of this missense change (SIFT: "Deleterious"; PolyPhen-2: "Probably Damaging"; Align-GVGD: "Class C0"). This variant has not been reported in the literature in individuals with CTNNA1-related conditions. This variant is not present in population databases (ExAC no frequency). This sequence change replaces proline with arginine at codon 31 of the CTNNA1 protein (p.Pro31Arg). The proline residue is highly conserved and there is a moderate physicochemical difference between proline and arginine.

NM_001903.5(CTNNA1):c.92C>G (p.Pro31Arg)

Gene: CTNNA1 (catenin alpha 1; plus strand). Cytogenetic location: 5q31.2.
Variant type: single nucleotide variant.
Coding change: c.92C>G on transcript NM_001903.5 (MANE Select); coding-DNA position 92, C replaced by G.
Protein change: p.Pro31Arg; replaces proline 31 with arginine.
Molecular consequence: missense variant. On other transcripts: 5 prime UTR variant (2).
Genome position (GRCh38, 1-based): chr5:138,782,016, C>G. VCF-style: chr5-138782016-C-G. GRCh37 (hg19) VCF-style: chr5-138117705-C-G.
Other names: c.92C>G, p.Pro31Arg (NM_001290307.3, NM_001323982.2, NM_001323983.1 and 3 more transcripts); c.-22C>G (NM_001290309.3); c.-115C>G (NM_001290310.3); short protein forms P31R.
Identifiers: ClinVar variation 1359585 (VCV001359585.8), dbSNP rs2149652075, ClinGen allele CA361477220.
Genomic context (GRCh38, chr5:138,782,016, plus strand): 5'-TCAAGTGGGATCCTAAAAGTCTAGAGATCAGGACTCTGGCAGTTGAGAGACTGTTGGAGC[C>G]TCTTGTTACACAGGTAAGAATCTGAAAACACAAATACATTGTAACATGGTTCTATAGCAC-3'
Protein context (NP_001894.2, residues 21-41): RTLAVERLLE[Pro31Arg]LVTQVTTLVN